The following is an entry in ClinVar:

NM_020448.5(NIPAL3):c.1135A>G (p.Thr379Ala)

Gene: NIPAL3 (NIPA like domain containing 3; plus strand). Cytogenetic location: 1p36.11.
Variant type: single nucleotide variant.
Coding change: c.1135A>G on transcript NM_020448.5 (MANE Select); coding-DNA position 1135, A replaced by G.
Protein change: p.Thr379Ala; replaces threonine 379 with alanine.
Molecular consequence: missense variant. On other transcripts: non-coding transcript variant (3).
Genome position (GRCh38, 1-based): chr1:24,469,099, A>G. VCF-style: chr1-24469099-A-G. GRCh37 (hg19) VCF-style: chr1-24795589-A-G.
Other names: c.1135A>G, p.Thr379Ala (NM_001322854.2, NM_001322855.2, NM_001322856.2 and 1 more transcripts); c.652A>G, p.Thr218Ala (NM_001322858.2, NM_001322859.2, NM_001322860.2 and 1 more transcripts); c.889A>G, p.Thr297Ala (NM_001322862.2, NM_001322863.2); c.1132A>G, p.Thr378Ala (NM_001322864.2); c.1108A>G, p.Thr370Ala (NM_001322866.2); c.982A>G, p.Thr328Ala (NM_001322868.2); short protein forms T218A, T297A, T328A, T370A, T378A, T379A.
Identifiers: ClinVar variation 2635259 (VCV002635259.1), dbSNP rs762832290, ClinGen allele CA339047817.

ClinVar aggregate classification (germline): Uncertain significance (1 of 4 stars; one submission).

Conditions:
NIPAL3-related disorder. Also called: NIPAL3-related condition.

Allele frequency attached by ClinVar (database versions not stated): gnomAD exomes 0.00001.
gnomAD v4.1: 6 of 1,613,996 alleles (0.00037%); highest among the groups gnomAD compares: East Asian, 0.013%; no homozygotes.

Submission:

PreventionGenetics, part of Exact Sciences
Classification: Uncertain significance for NIPAL3-related condition. Last evaluated: 2022-11-11. Review status: criteria provided, single submitter. Criteria: ACMG Guidelines, 2015. Collection method: clinical testing. Allele origin: germline.
Comment: The NIPAL3 c.1135A>G variant is predicted to result in the amino acid substitution p.Thr379Ala. To our knowledge, this variant has not been reported in the literature or in a large population database, indicating this variant is rare. At this time, the clinical significance of this variant is uncertain due to the absence of conclusive functional and genetic evidence.